The following is an entry in ClinVar:

ClinVar aggregate classification (germline): Likely benign. Review status: criteria provided, multiple submitters, no conflicts (2 of 4 stars). 4 submissions from 4 submitters: Likely benign (4). Last evaluated 2025-09-10.

Conditions:
Cardiovascular phenotype. Identifiers: MedGen CN230736.
Arrhythmogenic right ventricular cardiomyopathy (ARVD). Also called: Arrhythmogenic right ventricular dysplasia; Arrhythmogenic cardiomyopathy; Arrhythmogenic Right Ventricular Cardiomyopathy (ARVC); Cardiomyopathy, ARVC. Identifiers: Orphanet 247, MedGen C0349788, MeSH D019571, MONDO:0016587. Disease mechanism: loss of function. Inheritance: Various modes of inheritance.
Arrhythmogenic right ventricular dysplasia 10. Also called: ARRHYTHMOGENIC RIGHT VENTRICULAR DYSPLASIA, FAMILIAL, 10; Arrhythmogenic Right Ventricular Dysplasia/Cardiomyopathy10; Arrhythmogenic right ventricular dysplasia/cardiomyopathy, type 10. Identifiers: MedGen C1857777, MONDO:0012434, OMIM 610193.

Allele frequency attached by ClinVar (database versions not stated): gnomAD exomes below 0.00001; gnomAD 0.00002; TOPMed 0.00002.
gnomAD v4.1: 6 of 1,614,018 alleles (0.00037%); highest among the groups gnomAD compares: Admixed American, 0.0017%; no homozygotes.

Submissions (4):

Labcorp Genetics (formerly Invitae), Labcorp
Classification: Likely benign for Arrhythmogenic right ventricular dysplasia 10. Last evaluated: 2025-09-10. Review status: criteria provided, single submitter. Criteria: Invitae Variant Classification Sherloc (09022015). Collection method: clinical testing. Allele origin: germline.

All of Us Research Program, National Institutes of Health
Classification: Likely benign for Arrhythmogenic right ventricular cardiomyopathy. Last evaluated: 2023-12-18. Review status: criteria provided, single submitter. Criteria: ACMG Guidelines, 2015. Collection method: clinical testing. Allele origin: germline. Inheritance: Autosomal dominant inheritance. Observed: 3 variant alleles, 3 heterozygotes.
Comment: This study involves interpretation of variants in research participants for the purpose of population health screening. Participant phenotype was not available at the time of variant classification. Additional details can be found in publication PMID: 35346344, PMCID: PMC8962531

Ambry Genetics
Classification: Likely benign for Cardiovascular phenotype. Last evaluated: 2021-01-07. Review status: criteria provided, single submitter. Criteria: Ambry Variant Classification Scheme 2023. Collection method: clinical testing. Allele origin: germline.

Laboratory for Molecular Medicine, Mass General Brigham Personalized Medicine
Classification: Likely benign. Last evaluated: 2012-09-28. Review status: criteria provided, single submitter. Criteria: LMM Criteria. Collection method: clinical testing. Allele origin: germline. Observed: 1 variant allele.
Comment: Ser700Ser in exon 14 of DSG2: This variant is not expected to have clinical sign ificance because it does not alter an amino acid residue and is not located with in the splice consensus sequence. Ser700Ser in exon 14 of DSG2 (allele frequenc y = n/a)

NM_001943.5(DSG2):c.2100C>T (p.Ser700=)

Genes: DSG2 (desmoglein 2; plus strand), DSG2-AS1 (DSG2 antisense RNA 1; minus strand). Cytogenetic location: 18q12.1.
Variant type: single nucleotide variant.
Coding change: c.2100C>T on transcript NM_001943.5 (MANE Select); coding-DNA position 2100, C replaced by T.
Protein change: p.Ser700=; no amino-acid change (serine 700 retained).
Molecular consequence: synonymous variant.
Genome position (GRCh38, 1-based): chr18:31,542,618, C>T. VCF-style: chr18-31542618-C-T. GRCh37 (hg19) VCF-style: chr18-29122581-C-T.
Identifiers: ClinVar variation 44294 (VCV000044294.10), dbSNP rs397516704, ClinGen allele CA021663.